The following is an entry in ClinVar:

ClinVar aggregate classification (germline): Uncertain significance (1 of 4 stars; one submission).

Conditions:
Muscular dystrophy-dystroglycanopathy (congenital with brain and eye anomalies), type a, 11 (MDDGA11). Also called: WALKER-WARBURG SYNDROME OR MUSCLE-EYE-BRAIN DISEASE, B3GALNT2-RELATED; Congenital muscular dystrophy-dystroglycanopathy with brain and eye anomalies, type A11; Muscular dystrophy-dystroglycanopathy (congenital with brain and eye anomalies, type A, 11. Identifiers: Orphanet 588, Orphanet 899, MedGen C3554638, MONDO:0014071, OMIM 615181.

Allele frequency attached by ClinVar (database versions not stated): TOPMed 0.00001; gnomAD 0.00002; ExAC 0.00003.
gnomAD v4.1: 37 of 1,608,898 alleles (0.0023%); highest among the groups gnomAD compares: East Asian, 0.0067%; no homozygotes.

Submission:

Labcorp Genetics (formerly Invitae), Labcorp
Classification: Uncertain significance for Muscular dystrophy-dystroglycanopathy (congenital with brain and eye anomalies), type a, 11. Last evaluated: 2022-10-18. Review status: criteria provided, single submitter. Criteria: Invitae Variant Classification Sherloc (09022015). Collection method: clinical testing. Allele origin: germline.
Comment: This sequence change replaces threonine, which is neutral and polar, with methionine, which is neutral and non-polar, at codon 347 of the B3GALNT2 protein (p.Thr347Met). This variant is present in population databases (rs746993541, gnomAD 0.01%). This variant has not been reported in the literature in individuals affected with B3GALNT2-related conditions. ClinVar contains an entry for this variant (Variation ID: 862844). Advanced modeling of protein sequence and biophysical properties (such as structural, functional, and spatial information, amino acid conservation, physicochemical variation, residue mobility, and thermodynamic stability) performed at Invitae indicates that this missense variant is not expected to disrupt B3GALNT2 protein function. In summary, the available evidence is currently insufficient to determine the role of this variant in disease. Therefore, it has been classified as a Variant of Uncertain Significance.

NM_152490.5(B3GALNT2):c.1040C>T (p.Thr347Met)

Gene: B3GALNT2 (beta-1,3-N-acetylgalactosaminyltransferase 2; minus strand). Cytogenetic location: 1q42.3.
Variant type: single nucleotide variant.
Coding change: c.1040C>T on transcript NM_152490.5 (MANE Select); coding-DNA position 1040, C replaced by T.
Protein change: p.Thr347Met; replaces threonine 347 with methionine.
Molecular consequence: missense variant.
Genome position (GRCh38, 1-based): chr1:235,455,670, G>A on the plus strand (C>T on the coding strand, the complement: B3GALNT2 is on the minus strand). VCF-style: chr1-235455670-G-A. GRCh37 (hg19) VCF-style: chr1-235618982-G-A.
Other names: short protein forms T347M.
Identifiers: ClinVar variation 862844 (VCV000862844.4), dbSNP rs746993541, ClinGen allele CA1464707.